The following is an entry in ClinVar:

ClinVar aggregate classification (germline): Likely benign. Review status: criteria provided, multiple submitters, no conflicts (2 of 4 stars). 4 submissions from 4 submitters: Likely benign (3). 1 of the submissions does not count toward it. Last evaluated 2026-08-01.

Conditions:
Glycogen storage disease, type II (IOPD). Also called: Pompe Disease; Glucosidase acid-1,4-alpha deficiency; CARDIOMEGALIA GLYCOGENICA DIFFUSA; GLYCOGENOSIS, GENERALIZED, CARDIAC FORM; GSD II; POMPE DISEASE, INFANTILE-ONSET. Identifiers: Orphanet 365, MedGen C0017921, MONDO:0009290, OMIM 232300.
Cardiovascular phenotype. Identifiers: MedGen CN230736.

gnomAD v4.1: 8 of 1,612,992 alleles (0.0005%); highest among the groups gnomAD compares: Admixed American, 0.012%; no homozygotes.

Submissions (4):

CeGaT Center for Human Genetics Tuebingen
Classification: Likely benign. Last evaluated: 2026-08-01. Review status: criteria provided, single submitter. Criteria: CeGaT Center For Human Genetics Tuebingen Variant Classification Criteria Version 2. Collection method: clinical testing. Allele origin: germline. Affected: yes. Observed: 1 variant allele.
Comment: GAA: BP4, BP7

Labcorp Genetics (formerly Invitae), Labcorp
Classification: Likely benign for Glycogen storage disease, type II. Last evaluated: 2026-01-03. Review status: criteria provided, single submitter. Criteria: Invitae Variant Classification Sherloc (09022015). Collection method: clinical testing. Allele origin: germline.

Ambry Genetics
Classification: Likely benign for Cardiovascular phenotype. Last evaluated: 2023-09-30. Review status: criteria provided, single submitter. Criteria: Ambry Variant Classification Scheme 2023. Collection method: clinical testing. Allele origin: germline.

Natera, Inc.
Classification: Uncertain significance for Glycogen storage disease type II. Last evaluated: 2020-09-16. Review status: no assertion criteria provided. Collection method: clinical testing. Allele origin: germline. Not counted in ClinVar's aggregate classification.

NM_000152.5(GAA):c.2307G>A (p.Leu769=)

Gene: GAA (alpha glucosidase; plus strand). Cytogenetic location: 17q25.3.
Variant type: single nucleotide variant.
Coding change: c.2307G>A on transcript NM_000152.5 (MANE Select); coding-DNA position 2307, G replaced by A.
Protein change: p.Leu769=; no amino-acid change (leucine 769 retained).
Molecular consequence: synonymous variant.
Genome position (GRCh38, 1-based): chr17:80,117,085, G>A. VCF-style: chr17-80117085-G-A. GRCh37 (hg19) VCF-style: chr17-78090884-G-A.
Other names: c.2307G>A, p.Leu769= (NM_001079803.3, NM_001079804.3).
Identifiers: ClinVar variation 848819 (VCV000848819.11), dbSNP rs372800172, ClinGen allele CA8815682.